The following is an entry in ClinVar:

ClinVar aggregate classification (germline): Likely benign (1 of 4 stars; one submission).

Allele frequency attached by ClinVar (database versions not stated): gnomAD 0.00006; TOPMed 0.00009; ExAC 0.00021.
gnomAD v4.1: 70 of 1,612,808 alleles (0.0043%); highest among the groups gnomAD compares: Admixed American, 0.06%; no homozygotes.

Submission:

CeGaT Center for Human Genetics Tuebingen
Classification: Likely benign. Last evaluated: 2022-12-01. Review status: criteria provided, single submitter. Criteria: CeGaT Center For Human Genetics Tuebingen Variant Classification Criteria Version 2. Collection method: clinical testing. Allele origin: germline. Affected: yes. Observed: 1 variant allele.
Comment: ACADM: BP4, BP7

NM_000016.6(ACADM):c.286+190T>C

Gene: ACADM (acyl-CoA dehydrogenase medium chain; plus strand). Cytogenetic location: 1p31.1.
Variant type: single nucleotide variant.
Coding change: c.286+190T>C on transcript NM_000016.6 (MANE Select); 190 bases into the intron after coding-DNA position 286, T replaced by C.
Molecular consequence: intron variant. On other transcripts: synonymous variant (1).
Genome position (GRCh38, 1-based): chr1:75,733,112, T>C. VCF-style: chr1-75733112-T-C. GRCh37 (hg19) VCF-style: chr1-76198797-T-C.
Other names: c.348T>C, p.Leu116= (NM_001286043.2); c.298+190T>C (NM_001127328.3); c.178+190T>C (NM_001286042.2); c.-100+190T>C (NM_001286044.2).
Identifiers: ClinVar variation 2638884 (VCV002638884.24), dbSNP rs750012444, ClinGen allele CA913035.